The following is an entry in ClinVar:

ClinVar aggregate classification (germline): Uncertain significance (1 of 4 stars; one submission).

Allele frequency attached by ClinVar (database versions not stated): TOPMed below 0.00001.

Submission:

Labcorp Genetics (formerly Invitae), Labcorp
Classification: Uncertain significance. Last evaluated: 2023-04-01. Review status: criteria provided, single submitter. Criteria: Invitae Variant Classification Sherloc (09022015). Collection method: clinical testing. Allele origin: germline.
Comment: This sequence change replaces serine, which is neutral and polar, with asparagine, which is neutral and polar, at codon 640 of the ALPK3 protein (p.Ser640Asn). This variant is not present in population databases (gnomAD no frequency). This variant has not been reported in the literature in individuals affected with ALPK3-related conditions. An algorithm developed to predict the effect of missense changes on protein structure and function (PolyPhen-2) suggests that this variant is likely to be tolerated. In summary, the available evidence is currently insufficient to determine the role of this variant in disease. Therefore, it has been classified as a Variant of Uncertain Significance.

NM_020778.5(ALPK3):c.1313G>A (p.Ser438Asn)

Gene: ALPK3 (alpha kinase 3; plus strand). Cytogenetic location: 15q25.3.
Variant type: single nucleotide variant.
Coding change: c.1313G>A on transcript NM_020778.5 (MANE Select); coding-DNA position 1313, G replaced by A.
Protein change: p.Ser438Asn; replaces serine 438 with asparagine.
Molecular consequence: missense variant.
Genome position (GRCh38, 1-based): chr15:84,840,592, G>A. VCF-style: chr15-84840592-G-A. GRCh37 (hg19) VCF-style: chr15-85383823-G-A.
Other names: short protein forms S438N.
Identifiers: ClinVar variation 2783705 (VCV002783705.3), dbSNP rs1432105347, ClinGen allele CA393375366.